The following is an entry in ClinVar:

ClinVar aggregate classification (germline): Uncertain significance (1 of 4 stars; one submission).

Conditions:
Spermatogenic failure 18. Identifiers: MedGen C4539783, MONDO:0054615, OMIM 617576.
Ciliary dyskinesia, primary, 37 (CILD37). Also called: CILIARY DYSKINESIA, PRIMARY, 37, WITH OR WITHOUT SITUS INVERSUS. Identifiers: MedGen C4539798, MONDO:0033204, OMIM 617577.

Allele frequency attached by ClinVar (database versions not stated): gnomAD exomes 0.00004 and 0.00002; gnomAD 0.00005 and 0.00006; ExAC 0.00002; TOPMed 0.00003.

Submission:

Labcorp Genetics (formerly Invitae), Labcorp
Classification: Uncertain significance for Ciliary dyskinesia, primary, 37; Spermatogenic failure 18. Last evaluated: 2022-03-28. Review status: criteria provided, single submitter. Criteria: Invitae Variant Classification Sherloc (09022015). Collection method: clinical testing. Allele origin: germline.
Comment: This sequence change replaces arginine, which is basic and polar, with cysteine, which is neutral and slightly polar, at codon 3718 of the DNAH1 protein (p.Arg3718Cys). This variant is present in population databases (rs759839153, gnomAD 0.02%). This variant has not been reported in the literature in individuals affected with DNAH1-related conditions. Algorithms developed to predict the effect of missense changes on protein structure and function are either unavailable or do not agree on the potential impact of this missense change (SIFT: "Deleterious"; PolyPhen-2: "Benign"; Align-GVGD: "Class C0"). In summary, the available evidence is currently insufficient to determine the role of this variant in disease. Therefore, it has been classified as a Variant of Uncertain Significance.

NM_015512.5(DNAH1):c.11152C>T (p.Arg3718Cys)

Gene: DNAH1 (dynein axonemal heavy chain 1; plus strand). Cytogenetic location: 3p21.1.
Variant type: single nucleotide variant.
Coding change: c.11152C>T on transcript NM_015512.5 (MANE Select); coding-DNA position 11152, C replaced by T.
Protein change: p.Arg3718Cys; replaces arginine 3718 with cysteine.
Molecular consequence: missense variant.
Genome position (GRCh38, 1-based): chr3:52,395,571, C>T. VCF-style: chr3-52395571-C-T. GRCh37 (hg19) VCF-style: chr3-52429587-C-T.
Other names: short protein forms R3718C.
Identifiers: ClinVar variation 1428752 (VCV001428752.8), dbSNP rs759839153, ClinGen allele CA2436082.